The following is an entry in ClinVar:

ClinVar aggregate classification (germline): Conflicting classifications of pathogenicity. Review status: criteria provided, conflicting classifications (1 of 4 stars). 4 submissions from 4 submitters: Uncertain significance (3); Benign (1). Last evaluated 2025-01-12.

Conditions:
Osteogenesis imperfecta, perinatal lethal (OI2). Also called: OSTEOGENESIS IMPERFECTA, TYPE II; OI, TYPE II; OSTEOGENESIS IMPERFECTA CONGENITA; VROLIK TYPE OF OSTEOGENESIS IMPERFECTA; Osteogenesis imperfecta type 2; Osteogenesis imperfecta, dominant perinatal lethal. Identifiers: Orphanet 216804, MedGen C0268358, MONDO:0008147, OMIM 166210.
Ehlers-Danlos syndrome, classic type, 1 (EDSCL1). Also called: EHLERS-DANLOS SYNDROME, GRAVIS TYPE; EHLERS-DANLOS SYNDROME, SEVERE CLASSIC TYPE; Ehlers-Danlos syndrome, type 1; Ehlers-Danlos Syndrome, Classic Type, COL5A1-Related; EDS I. Identifiers: MedGen C0268335, MONDO:0019567, OMIM 130000.
Osteogenesis imperfecta type I (OI1). Also called: OI, TYPE I; OSTEOGENESIS IMPERFECTA TARDA; OSTEOGENESIS IMPERFECTA WITH BLUE SCLERAE; Osteogenesis imperfecta type 1; Lobstein's Disease; Lobstein disease. Identifiers: Orphanet 216796, Orphanet 666, MedGen C0023931, MONDO:0008146, OMIM 166200. Disease mechanism: loss of function.

Allele frequency attached by ClinVar (database versions not stated): gnomAD 0.00001; gnomAD exomes 0.00002; TOPMed 0.00002; 1000 Genomes Project 30x 0.00031.
gnomAD v4.1: 42 of 1,613,544 alleles (0.0026%); highest among the groups gnomAD compares: South Asian, 0.024%; no homozygotes.

Submissions (4):

Mayo Clinic Laboratories, Mayo Clinic
Classification: Uncertain significance. Last evaluated: 2025-01-12. Review status: criteria provided, single submitter. Criteria: ACMG Guidelines, 2015. Collection method: clinical testing. Allele origin: germline. Observed: 1 variant allele.
Comment: BS1, PP3

Women's Health and Genetics/Laboratory Corporation of America, LabCorp
Classification: Benign. Last evaluated: 2023-11-30. Review status: criteria provided, single submitter. Criteria: LabCorp Variant Classification Summary - May 2015. Collection method: clinical testing. Allele origin: germline.
Comment: Variant summary: COL1A2 c.2777G>A (p.Arg926His) results in a non-conservative amino acid change in the encoded protein sequence. Four of five in-silico tools predict a damaging effect of the variant on protein function. The variant allele was found at a frequency of 3.6e-05 in 251226 control chromosomes, predominantly at a frequency of 0.00026 within the South Asian subpopulation in the gnomAD database. The observed variant frequency is approximately 52-fold of the estimated maximal expected allele frequency for a pathogenic variant in COL1A2 causing Ehlers-Danlos Syndrome (5e-06), strongly suggesting that the variant is benign. c.2777G>A has been reported in the literature in one individual affected with osteogenesis imperfecta, along with a pathogenic frameshifting variant in COL1A1. c.2777G>A was found to be inherited from the unaffected mother, and COL1A1 frameshifting variant appeared to be mosaic in the unaffected father. Such co-occurrence with pathogenic variant (COL1A1 c.3178del, p.Ala1060Leufs*48) provides supporting evidence for a benign role. To our knowledge, no experimental evidence demonstrating an impact on protein function has been reported. The following publication have been ascertained in the context of this evaluation (PMID: 29499418). One submitter has cited clinical-significance assessments for this variant to ClinVar after 2014 and has classified the variant as uncertain significance. Based on the evidence outlined above, the variant was classified as benign.

Labcorp Genetics (formerly Invitae), Labcorp
Classification: Uncertain significance for Osteogenesis imperfecta type I; Ehlers-Danlos syndrome, classic type, 1. Last evaluated: 2022-11-15. Review status: criteria provided, single submitter. Criteria: Invitae Variant Classification Sherloc (09022015). Collection method: clinical testing. Allele origin: germline.
Comment: In summary, the available evidence is currently insufficient to determine the role of this variant in disease. Therefore, it has been classified as a Variant of Uncertain Significance. Algorithms developed to predict the effect of sequence changes on RNA splicing suggest that this variant may disrupt the consensus splice site. Advanced modeling of protein sequence and biophysical properties (such as structural, functional, and spatial information, amino acid conservation, physicochemical variation, residue mobility, and thermodynamic stability) has been performed at Invitae for this missense variant, however the output from this modeling did not meet the statistical confidence thresholds required to predict the impact of this variant on COL1A2 protein function. ClinVar contains an entry for this variant (Variation ID: 1492902). This missense change has been observed in individual(s) with osteogenesis imperfecta (PMID: 29499418). This variant is present in population databases (rs200331961, gnomAD 0.03%). This sequence change replaces arginine, which is basic and polar, with histidine, which is basic and polar, at codon 926 of the COL1A2 protein (p.Arg926His).

Department of Human Genetics, Medical Research Institute, Alexandria University
Classification: Uncertain significance for Osteogenesis imperfecta, perinatal lethal. Review status: criteria provided, single submitter. Criteria: ACMG Guidelines, 2015. Collection method: research. Allele origin: unknown. Inheritance: Autosomal dominant inheritance. Affected: yes.

Literature cited by the submitters: PubMed 29499418 (cited by 3 submitters).

NM_000089.4(COL1A2):c.2777G>A (p.Arg926His)

Gene: COL1A2 (collagen type I alpha 2 chain; plus strand). Cytogenetic location: 7q21.3.
Variant type: single nucleotide variant.
Coding change: c.2777G>A on transcript NM_000089.4 (MANE Select); coding-DNA position 2777, G replaced by A.
Protein change: p.Arg926His; replaces arginine 926 with histidine.
Molecular consequence: missense variant.
Genome position (GRCh38, 1-based): chr7:94,425,220, G>A. VCF-style: chr7-94425220-G-A. GRCh37 (hg19) VCF-style: chr7-94054532-G-A.
Other names: p.Arg926His; short protein forms R926H.
Identifiers: ClinVar variation 1492902 (VCV001492902.11), dbSNP rs200331961, ClinGen allele CA4347551.